The following is an entry in ClinVar:

ClinVar aggregate classification (germline): Uncertain significance (1 of 4 stars; one submission).

Submission:

GeneDx
Classification: Uncertain significance. Last evaluated: 2026-03-24. Review status: criteria provided, single submitter. Criteria: GeneDx Variant Classification Process June 2021. Collection method: clinical testing. Allele origin: germline.
Comment: Not observed at significant frequency in large population cohorts (gnomAD); In silico analysis supports that this missense variant has a deleterious effect on protein structure/function; Has not been previously published as pathogenic or benign to our knowledge

NM_004522.3(KIF5C):c.608C>A (p.Ser203Tyr)

Gene: KIF5C (kinesin family member 5C; plus strand). Cytogenetic location: 2q23.1.
Variant type: single nucleotide variant.
Coding change: c.608C>A on transcript NM_004522.3 (MANE Select); coding-DNA position 608, C replaced by A.
Protein change: p.Ser203Tyr; replaces serine 203 with tyrosine.
Molecular consequence: missense variant.
Genome position (GRCh38, 1-based): chr2:148,946,917, C>A. VCF-style: chr2-148946917-C-A. GRCh37 (hg19) VCF-style: chr2-149803431-C-A.
Other names: short protein forms S203Y.
Identifiers: ClinVar variation 5017447 (VCV005017447.1).